The following is an entry in ClinVar:

ClinVar aggregate classification (germline): Uncertain significance (1 of 4 stars; one submission).

Conditions:
Primary ciliary dyskinesia 3. Identifiers: Orphanet 244, MedGen C1837618, MONDO:0012085, OMIM 608644.

Submission:

Baylor Genetics
Classification: Uncertain significance for Primary ciliary dyskinesia 3. Last evaluated: 2018-05-02. Review status: criteria provided, single submitter. Criteria: ACMG Guidelines, 2015. Collection method: clinical testing. Allele origin: paternal. Affected: yes.
Comment: This variant was determined to be of uncertain significance according to ACMG Guidelines, 2015 [PMID:25741868].

NM_001369.3(DNAH5):c.8668G>C (p.Asp2890His)

Gene: DNAH5 (dynein axonemal heavy chain 5; minus strand). Cytogenetic location: 5p15.2.
Variant type: single nucleotide variant.
Coding change: c.8668G>C on transcript NM_001369.3 (MANE Select); coding-DNA position 8668, G replaced by C.
Protein change: p.Asp2890His; replaces aspartic acid 2890 with histidine.
Molecular consequence: missense variant.
Genome position (GRCh38, 1-based): chr5:13,786,331, C>G on the plus strand (G>C on the coding strand, the complement: DNAH5 is on the minus strand). VCF-style: chr5-13786331-C-G. GRCh37 (hg19) VCF-style: chr5-13786440-C-G.
Other names: short protein forms D2890H.
Identifiers: ClinVar variation 1033417 (VCV001033417.1), dbSNP rs1756005971, ClinGen allele CA359215673.